The following is an entry in ClinVar:

ClinVar aggregate classification (germline): Uncertain significance (1 of 4 stars; one submission).

Conditions:
Autoimmune interstitial lung disease-arthritis syndrome. Also called: Autoinflammation and autoimmunity, systemic, with immune dysregulation. Identifiers: Orphanet 444092, MedGen C5975714, MONDO:0014629.

gnomAD v4.1: 1 of 1,614,104 alleles (0.000062%); highest among the groups gnomAD compares: Admixed American, 0.0017%; no homozygotes.

Submission:

Labcorp Genetics (formerly Invitae), Labcorp
Classification: Uncertain significance for Autoimmune interstitial lung disease-arthritis syndrome. Last evaluated: 2024-04-06. Review status: criteria provided, single submitter. Criteria: Invitae Variant Classification Sherloc (09022015). Collection method: clinical testing. Allele origin: germline.
Comment: This sequence change replaces valine, which is neutral and non-polar, with alanine, which is neutral and non-polar, at codon 512 of the COPA protein (p.Val512Ala). This variant is not present in population databases (gnomAD no frequency). This variant has not been reported in the literature in individuals affected with COPA-related conditions. Advanced modeling of protein sequence and biophysical properties (such as structural, functional, and spatial information, amino acid conservation, physicochemical variation, residue mobility, and thermodynamic stability) performed at Invitae indicates that this missense variant is not expected to disrupt COPA protein function with a negative predictive value of 80%. In summary, the available evidence is currently insufficient to determine the role of this variant in disease. Therefore, it has been classified as a Variant of Uncertain Significance.

NM_004371.4(COPA):c.1535T>C (p.Val512Ala)

Gene: COPA (coat protein complex I subunit alpha; minus strand). Cytogenetic location: 1q23.2.
Variant type: single nucleotide variant.
Coding change: c.1535T>C on transcript NM_004371.4 (MANE Select); coding-DNA position 1535, T replaced by C.
Protein change: p.Val512Ala; replaces valine 512 with alanine.
Molecular consequence: missense variant.
Genome position (GRCh38, 1-based): chr1:160,305,565, A>G on the plus strand (T>C on the coding strand, the complement: COPA is on the minus strand). VCF-style: chr1-160305565-A-G. GRCh37 (hg19) VCF-style: chr1-160275355-A-G.
Other names: c.1562T>C, p.Val521Ala (NM_001098398.2); short protein forms V521A, V512A.
Identifiers: ClinVar variation 3708803 (VCV003708803.2).